The following is an entry in ClinVar:

ClinVar aggregate classification (germline): Uncertain significance (1 of 4 stars; one submission).

Conditions:
Evans syndrome, immunodeficiency, and premature immunosenescence associated with tripeptidyl-peptidase II deficiency. Identifiers: MedGen CN231723. Disease mechanism: loss of function.

Submission:

Labcorp Genetics (formerly Invitae), Labcorp
Classification: Uncertain significance for Evans syndrome, immunodeficiency, and premature immunosenescence associated with tripeptidyl-peptidase II deficiency. Last evaluated: 2024-02-24. Review status: criteria provided, single submitter. Criteria: Invitae Variant Classification Sherloc (09022015). Collection method: clinical testing. Allele origin: germline.
Comment: This sequence change replaces glycine, which is neutral and non-polar, with valine, which is neutral and non-polar, at codon 548 of the TPP2 protein (p.Gly548Val). This variant is not present in population databases (gnomAD no frequency). This variant has not been reported in the literature in individuals affected with TPP2-related conditions. ClinVar contains an entry for this variant (Variation ID: 1027228). An algorithm developed to predict the effect of missense changes on protein structure and function (PolyPhen-2) suggests that this variant is likely to be tolerated. In summary, the available evidence is currently insufficient to determine the role of this variant in disease. Therefore, it has been classified as a Variant of Uncertain Significance.

NM_001330588.2(TPP2):c.1643G>T (p.Gly548Val)

Gene: TPP2 (tripeptidyl peptidase 2; plus strand). Cytogenetic location: 13q33.1.
Variant type: single nucleotide variant.
Coding change: c.1643G>T on transcript NM_001330588.2 (MANE Select); coding-DNA position 1643, G replaced by T.
Protein change: p.Gly548Val; replaces glycine 548 with valine.
Molecular consequence: missense variant. On other transcripts: non-coding transcript variant (1).
Genome position (GRCh38, 1-based): chr13:102,636,357, G>T. VCF-style: chr13-102636357-G-T. GRCh37 (hg19) VCF-style: chr13-103288707-G-T.
Other names: c.1643G>T, p.Gly548Val (NM_001367947.1, NM_003291.4); short protein forms G548V.
Identifiers: ClinVar variation 1027228 (VCV001027228.8), dbSNP rs1882379903, ClinGen allele CA388487975.